The following is an entry in ClinVar:

ClinVar aggregate classification (germline): Conflicting classifications of pathogenicity. Review status: criteria provided, conflicting classifications (1 of 4 stars). 3 submissions from 3 submitters: Likely pathogenic (1); Uncertain significance (2). Last evaluated 2026-04-29.

Conditions:
Chuvash polycythemia. Also called: POLYCYTHEMIA, VHL-DEPENDENT. Identifiers: Orphanet 238557, MedGen C1837915, MONDO:0009892, OMIM 263400.
Von Hippel-Lindau syndrome (VHLS). Also called: VHL syndrome; Von Hippel-Lindau; von Hippel–Lindau syndrome. Identifiers: Orphanet 892, MedGen C0019562, MONDO:0008667, OMIM 193300. Disease mechanism: loss of function.
Hereditary cancer-predisposing syndrome. Also called: Neoplastic Syndromes, Hereditary; Tumor predisposition; Hereditary Cancer Syndrome; Hereditary neoplastic syndrome. Identifiers: Orphanet 140162, MedGen C0027672, MeSH D009386, MONDO:0015356.

gnomAD v4.1: 1 of 1,605,116 alleles (0.000062%); no homozygotes.

Submissions (3):

Ambry Genetics
Classification: Uncertain significance for Hereditary cancer-predisposing syndrome. Last evaluated: 2026-04-29. Review status: criteria provided, single submitter. Criteria: Ambry Variant Classification Scheme 2023. Collection method: clinical testing. Allele origin: germline.
Comment: The p.P81Q variant (also known as c.242C>A), located in coding exon 1 of the VHL gene, results from a C to A substitution at nucleotide position 242. The proline at codon 81 is replaced by glutamine, an amino acid with similar properties. Based on internal structural analysis, this variant sits at the interface between proteins and is anticipated to result in a decrease in structural stability (Ambry internal data). This variant has been observed in individuals diagnosed with pheochromocytomas (Dahia PL et al. PLoS Genet, 2005 Jul;1:72-80). This variant was determined to be functionally neutral in one saturation genome editing assay (Buckley M et al. Nat Genet, 2024 Jul;56:1446-1455). This amino acid position is well conserved in available vertebrate species. In addition, the in silico prediction for this alteration is inconclusive. Based on the available evidence, the clinical significance of this variant remains unclear.

Labcorp Genetics (formerly Invitae), Labcorp
Classification: Likely pathogenic for Von Hippel-Lindau syndrome; Chuvash polycythemia. Last evaluated: 2024-09-30. Review status: criteria provided, single submitter. Criteria: Invitae Variant Classification Sherloc (09022015). Collection method: clinical testing. Allele origin: germline.
Comment: This sequence change replaces proline, which is neutral and non-polar, with glutamine, which is neutral and polar, at codon 81 of the VHL protein (p.Pro81Gln). This variant is not present in population databases (gnomAD no frequency). This missense change has been observed in individual(s) with pheochromocytoma(s) (PMID: 16103922). It has also been observed to segregate with disease in related individuals. ClinVar contains an entry for this variant (Variation ID: 1314230). Invitae Evidence Modeling of protein sequence and biophysical properties (such as structural, functional, and spatial information, amino acid conservation, physicochemical variation, residue mobility, and thermodynamic stability) indicates that this missense variant is expected to disrupt VHL protein function with a positive predictive value of 95%. In summary, the currently available evidence indicates that the variant is pathogenic, but additional data are needed to prove that conclusively. Therefore, this variant has been classified as Likely Pathogenic.

GeneDx
Classification: Uncertain significance. Last evaluated: 2021-03-23. Review status: criteria provided, single submitter. Criteria: GeneDx Variant Classification Process June 2021. Collection method: clinical testing. Allele origin: germline. Affected: yes.
Comment: Not observed at a significant frequency in large population cohorts (Lek 2016); In silico analysis supports that this missense variant has a deleterious effect on protein structure/function; This variant is associated with the following publications: (PMID: 16103922)

Literature cited by the submitters: PubMed 16103922 (cited by Ambry Genetics and Labcorp Genetics (formerly Invitae), Labcorp); PubMed 38969834 (cited by Ambry Genetics).

NM_000551.4(VHL):c.242C>A (p.Pro81Gln)

Gene: VHL (von Hippel-Lindau tumor suppressor; plus strand). Cytogenetic location: 3p25.3.
Variant type: single nucleotide variant.
Coding change: c.242C>A on transcript NM_000551.4 (MANE Select); coding-DNA position 242, C replaced by A.
Protein change: p.Pro81Gln; replaces proline 81 with glutamine.
Molecular consequence: missense variant.
Genome position (GRCh38, 1-based): chr3:10,142,089, C>A. VCF-style: chr3-10142089-C-A. GRCh37 (hg19) VCF-style: chr3-10183773-C-A.
Other names: c.242C>A, p.Pro81Gln (NM_001354723.2, NM_198156.3); short protein forms P81Q.
Identifiers: ClinVar variation 1314230 (VCV001314230.11), dbSNP rs193922608, ClinGen allele CA351750529.
Genomic context (GRCh38, chr3:10,142,089, plus strand): 5'-CCGTGCTGCGCTCGGTGAACTCGCGCGAGCCCTCCCAGGTCATCTTCTGCAATCGCAGTC[C>A]GCGCGTCGTGCTGCCCGTATGGCTCAACTTCGACGGCGAGCCGCAGCCCTACCCAACGCT-3'
Protein context (NP_000542.1, residues 71-91): PSQVIFCNRS[Pro81Gln]RVVLPVWLNF